The following is an entry in ClinVar:

ClinVar aggregate classification (germline): Uncertain significance (1 of 4 stars; one submission).

Allele frequency attached by ClinVar (database versions not stated): gnomAD 0.00001; gnomAD exomes 0.00001; TOPMed 0.00001; ExAC 0.00002.
gnomAD v4.1: 11 of 1,613,072 alleles (0.00068%); highest among the groups gnomAD compares: South Asian, 0.0033%; no homozygotes.

Submission:

Labcorp Genetics (formerly Invitae), Labcorp
Classification: Uncertain significance. Last evaluated: 2022-08-05. Review status: criteria provided, single submitter. Criteria: Invitae Variant Classification Sherloc (09022015). Collection method: clinical testing. Allele origin: germline.
Comment: This sequence change replaces arginine, which is basic and polar, with glutamine, which is neutral and polar, at codon 4412 of the PCLO protein (p.Arg4412Gln). This variant is present in population databases (rs747018818, gnomAD 0.003%). This variant has not been reported in the literature in individuals affected with PCLO-related conditions. Algorithms developed to predict the effect of missense changes on protein structure and function are either unavailable or do not agree on the potential impact of this missense change (SIFT: "Tolerated"; PolyPhen-2: "Not Available"; Align-GVGD: "Class C0"). In summary, the available evidence is currently insufficient to determine the role of this variant in disease. Therefore, it has been classified as a Variant of Uncertain Significance.

NM_033026.6(PCLO):c.13235G>A (p.Arg4412Gln)

Gene: PCLO (piccolo presynaptic cytomatrix protein; minus strand). Cytogenetic location: 7q21.11.
Variant type: single nucleotide variant.
Coding change: c.13235G>A on transcript NM_033026.6 (MANE Select); coding-DNA position 13235, G replaced by A.
Protein change: p.Arg4412Gln; replaces arginine 4412 with glutamine.
Molecular consequence: missense variant.
Genome position (GRCh38, 1-based): chr7:82,914,751, C>T on the plus strand (G>A on the coding strand, the complement: PCLO is on the minus strand). VCF-style: chr7-82914751-C-T. GRCh37 (hg19) VCF-style: chr7-82544067-C-T.
Other names: c.13235G>A, p.Arg4412Gln (NM_014510.3); short protein forms R4412Q.
Identifiers: ClinVar variation 2422085 (VCV002422085.3), dbSNP rs747018818, ClinGen allele CA4319242.